The following is an entry in ClinVar:

ClinVar aggregate classification (germline): Uncertain significance. Review status: criteria provided, single submitter (1 of 4 stars). 2 submissions from 2 submitters: Uncertain significance (1). 1 of the submissions does not count toward it. Last evaluated 2018-01-12.

Conditions:
F10-related disorder. Also called: F10-related condition.
Hereditary factor X deficiency disease. Also called: Congenital factor X deficiency; STUART-PROWER FACTOR DEFICIENCY. Identifiers: Orphanet 328, MedGen C0272327, MONDO:0009212, OMIM 227600.

Allele frequency attached by ClinVar (database versions not stated): TOPMed 0.00036; ESP Exome Variant Server 0.00054.
gnomAD v4.1: 142 of 1,613,594 alleles (0.0088%); highest among the groups gnomAD compares: African/African-American, 0.13%; no homozygotes.

Submissions (2):

Illumina Laboratory Services, Illumina
Classification: Uncertain significance for Hereditary factor X deficiency disease. Last evaluated: 2018-01-12. Review status: criteria provided, single submitter. Criteria: ICSL Variant Classification Criteria 13 December 2019. Collection method: clinical testing. Allele origin: germline.

PreventionGenetics, part of Exact Sciences
Classification: Likely benign for F10-related condition. Last evaluated: 2019-06-06. Review status: no assertion criteria provided. Collection method: clinical testing. Allele origin: germline. Not counted in ClinVar's aggregate classification.
Comment: This variant is classified as likely benign based on ACMG/AMP sequence variant interpretation guidelines (Richards et al. 2015 PMID: 25741868, with internal and published modifications).

NM_000504.4(F10):c.633C>G (p.Thr211=)

Genes: F10 (coagulation factor X; plus strand), F10-AS2 (F10 antisense RNA 2; minus strand). Cytogenetic location: 13q34.
Variant type: single nucleotide variant.
Coding change: c.633C>G on transcript NM_000504.4 (MANE Select); coding-DNA position 633, C replaced by G.
Protein change: p.Thr211=; no amino-acid change (threonine 211 retained).
Molecular consequence: synonymous variant.
Genome position (GRCh38, 1-based): chr13:113,143,981, C>G. VCF-style: chr13-113143981-C-G. GRCh37 (hg19) VCF-style: chr13-113798295-C-G.
Other names: c.501C>G, p.Thr167= (NM_001312674.2); c.633C>G, p.Thr211= (NM_001312675.2); c.633C>G (LRG_548t1).
Identifiers: ClinVar variation 311277 (VCV000311277.7), dbSNP rs140852978, ClinGen allele CA7060537.